The following is an entry in ClinVar:

ClinVar aggregate classification (germline): Conflicting classifications of pathogenicity. Review status: criteria provided, conflicting classifications (1 of 4 stars). 3 submissions from 3 submitters: Uncertain significance (1); Likely benign (2). Last evaluated 2025-12-29.

Conditions:
Atrial septal defect 2 (ASD2). Identifiers: Orphanet 1478, MedGen C1842778, MONDO:0011938, OMIM 607941.
Tetralogy of Fallot (TOF). Identifiers: Orphanet 3303, MedGen C0039685, MONDO:0008542, OMIM 187500, HP:0001636.
Ventricular septal defect 1 (VSD1). Identifiers: MedGen C3280777, MONDO:0013746, OMIM 614429.
Atrioventricular septal defect 4 (AVSD4). Identifiers: MedGen C3280781, MONDO:0013747, OMIM 614430.
Cardiovascular phenotype. Identifiers: MedGen CN230736.

Allele frequency attached by ClinVar (database versions not stated): gnomAD exomes 0.00001 and 0.00004; ExAC 0.00002; gnomAD 0.00003; TOPMed 0.00007; ESP Exome Variant Server 0.00023.
gnomAD v4.1: 56 of 1,614,102 alleles (0.0035%); highest among the groups gnomAD compares: African/African-American, 0.0067%; 1 homozygote.

Submissions (3):

Labcorp Genetics (formerly Invitae), Labcorp
Classification: Likely benign for Atrioventricular septal defect 4. Last evaluated: 2025-12-29. Review status: criteria provided, single submitter. Criteria: Invitae Variant Classification Sherloc (09022015). Collection method: clinical testing. Allele origin: germline.

Clinical Genomics Laboratory, Washington University in St. Louis
Classification: Uncertain significance for Atrial septal defect 2; Atrioventricular septal defect 4; Tetralogy of Fallot; Ventricular septal defect 1. Last evaluated: 2025-11-21. Review status: criteria provided, single submitter. Criteria: ACMG Guidelines, 2015. Collection method: clinical testing. Allele origin: germline.
Comment: The GATA4 c.762G>A (p.Pro254=) variant, to our knowledge, has not been reported in the medical literature, however, has been reported in the ClinVar database (Variation ID: 696744) as a germline likely benign variant by two submitters. This variant is observed in 4/282,622 alleles in the general population (gnomAD v2.1.1). The GATA4 c.762G>A (p.Pro254=) is a synonymous variant and computational predictors indicate that the variant has no impact on splicing, evidence that this variant does not have a damaging effect on GATA4 function. Due to limited information, the clinical significance of this variant is uncertain.

Ambry Genetics
Classification: Likely benign for Cardiovascular phenotype. Last evaluated: 2022-06-22. Review status: criteria provided, single submitter. Criteria: Ambry Variant Classification Scheme 2023. Collection method: clinical testing. Allele origin: germline.

Literature cited by the submitters: uncertain (cited by Clinical Genomics Laboratory, Washington University in St. Louis).

NM_001308093.3(GATA4):c.762G>A (p.Pro254=)

Gene: GATA4 (GATA binding protein 4). Cytogenetic location: 8p23.1.
Variant type: single nucleotide variant.
Coding change: c.762G>A on transcript NM_001308093.3 (MANE Select); coding-DNA position 762, G replaced by A.
Protein change: p.Pro254=; no amino-acid change (proline 254 retained).
Molecular consequence: synonymous variant.
Genome position (GRCh38, 1-based): chr8:11,749,061, G>A. VCF-style: chr8-11749061-G-A. GRCh37 (hg19) VCF-style: chr8-11606570-G-A.
Other names: c.141G>A, p.Pro47= (NM_001308094.2, NM_001374273.1, NM_001374274.1); c.759G>A, p.Pro253= (NM_002052.5).
Identifiers: ClinVar variation 696744 (VCV000696744.11), dbSNP rs143454176, ClinGen allele CA4630671.